The following is an entry in ClinVar:

NM_182961.4(SYNE1):c.17203-7_17203-6del

Gene: SYNE1 (spectrin repeat containing nuclear envelope protein 1; minus strand). Cytogenetic location: 6q25.2.
Variant type: Deletion.
Coding change: c.17203-7_17203-6del on transcript NM_182961.4 (MANE Select); 7 bases into the intron before coding-DNA position 17203 through 6 bases into the intron before coding-DNA position 17203, 2 bases deleted (TT; older notation c.17203-7_17203-6delTT).
Molecular consequence: intron variant.
Genome position (GRCh38, 1-based): chr6:152,308,638-152,308,639, AA deleted on the plus strand (TT on the coding strand, the reverse complement: SYNE1 is on the minus strand); deleting any 2 consecutive bases within chr6:152,308,638-152,308,651 gives the same sequence; the c. name uses the placement nearest the transcript's 3' end. VCF-style (leftmost placement, unchanged base first): chr6-152308637-GAA-G. GRCh37 (hg19) VCF-style: chr6-152629772-GAA-G.
Other names: p.?; c.17203-7_17203-6delTT (NM_182961.3); c.16990-7_16990-6del (NM_033071.5); c.16994-11_16994-10del (NM_033071.3); c.16994-11_16994-10delTT (NM_033071.3).
Identifiers: ClinVar variation 199206 (VCV000199206.20), dbSNP rs55633181, ClinGen allele CA203800.

ClinVar aggregate classification (germline): Benign/Likely benign. Review status: criteria provided, multiple submitters, no conflicts (2 of 4 stars). 9 submissions from 9 submitters: Benign (3); Likely benign (1). 5 of the submissions do not count toward it. Last evaluated 2024-11-26.

Conditions:
SYNE1-related disorder. Also called: SYNE1-related disease; SYNE1-related condition; SYNE1-related disorders.

Submissions (9):

Blueprint Genetics
Classification: Likely benign. Last evaluated: 2024-11-26. Review status: criteria provided, single submitter. Criteria: ACMG Guidelines, 2015. Collection method: clinical testing. Allele origin: germline.

Mayo Clinic Laboratories, Mayo Clinic
Classification: Benign. Last evaluated: 2024-02-12. Review status: criteria provided, single submitter. Criteria: ACMG Guidelines, 2015. Collection method: clinical testing. Allele origin: germline. Observed: 35 variant alleles.

Labcorp Genetics (formerly Invitae), Labcorp
Classification: Benign. Last evaluated: 2017-06-14. Review status: criteria provided, single submitter. Criteria: Invitae Variant Classification Sherloc (09022015). Collection method: clinical testing. Allele origin: germline.

Eurofins Ntd Llc (ga)
Classification: Benign. Last evaluated: 2015-02-18. Review status: criteria provided, single submitter. Criteria: EGL Classification Definitions 2015. Collection method: clinical testing. Allele origin: germline. Observed: 4 variant alleles, 4 heterozygotes.

PreventionGenetics, part of Exact Sciences
Classification: Benign for SYNE1-related condition. Last evaluated: 2019-07-08. Review status: no assertion criteria provided. Collection method: clinical testing. Allele origin: germline. Not counted in ClinVar's aggregate classification.
Comment: This variant is classified as benign based on ACMG/AMP sequence variant interpretation guidelines (Richards et al. 2015 PMID: 25741868, with internal and published modifications).

Clinical Genetics DNA and cytogenetics Diagnostics Lab, Erasmus MC, Erasmus Medical Center
Classification: Likely benign. Review status: no assertion criteria provided. Collection method: clinical testing. Allele origin: germline. Affected: yes. Study: VKGL Data-share Consensus. Not counted in ClinVar's aggregate classification.

Clinical Genetics, Academic Medical Center
Classification: Likely benign. Review status: no assertion criteria provided. Collection method: clinical testing. Allele origin: germline. Affected: yes. Study: VKGL Data-share Consensus. Not counted in ClinVar's aggregate classification.

Genome Diagnostics Laboratory, University Medical Center Utrecht
Classification: Likely benign. Review status: no assertion criteria provided. Collection method: clinical testing. Allele origin: germline. Affected: yes. Study: VKGL Data-share Consensus. Not counted in ClinVar's aggregate classification.

Laboratory of Diagnostic Genome Analysis, Leiden University Medical Center (LUMC)
Classification: Likely benign. Review status: no assertion criteria provided. Collection method: clinical testing. Allele origin: germline. Affected: yes. Study: VKGL Data-share Consensus. Not counted in ClinVar's aggregate classification.